The following is an entry in ClinVar:

ClinVar aggregate classification (germline): Pathogenic/Likely pathogenic. Review status: criteria provided, multiple submitters, no conflicts (2 of 4 stars). 4 submissions from 4 submitters: Pathogenic (1); Likely pathogenic (3). Last evaluated 2026-06-26.

Conditions:
TSPAN12-related disorder. Also called: TSPAN12-related condition.

Allele frequency attached by ClinVar (database versions not stated): gnomAD exomes below 0.00001; TOPMed below 0.00001; gnomAD 0.00001.

Submissions (4):

PreventionGenetics, part of Exact Sciences
Classification: Likely pathogenic for TSPAN12-related condition. Last evaluated: 2026-06-26. Review status: criteria provided, single submitter. Criteria: ACMG Guidelines, 2015. Collection method: clinical testing. Allele origin: germline.
Comment: The TSPAN12 c.460delC variant is predicted to result in a frameshift and premature protein termination (p.Gln154Argfs*9). To our knowledge, this variant has not been previously reported in literature. This variant has not been reported in a large population database (gnomAD), indicating this variant is rare. Frameshift variants in TSPAN12 are expected to be pathogenic. This variant is interpreted as likely pathogenic.

GeneDx
Classification: Likely pathogenic. Last evaluated: 2026-01-29. Review status: criteria provided, single submitter. Criteria: GeneDx Variant Classification Process June 2021. Collection method: clinical testing. Allele origin: germline.
Comment: Frameshift variant predicted to result in protein truncation or nonsense mediated decay in a gene for which loss of function is a known mechanism of disease; Not observed at significant frequency in large population cohorts (gnomAD); Has not been previously published as pathogenic or benign to our knowledge

Labcorp Genetics (formerly Invitae), Labcorp
Classification: Pathogenic. Last evaluated: 2025-11-12. Review status: criteria provided, single submitter. Criteria: Invitae Variant Classification Sherloc (09022015). Collection method: clinical testing. Allele origin: germline.
Comment: This sequence change creates a premature translational stop signal (p.Gln154Argfs*9) in the TSPAN12 gene. It is expected to result in an absent or disrupted protein product. Loss-of-function variants in TSPAN12 are known to be pathogenic (PMID: 20159112, 21334594). This variant is not present in population databases (gnomAD no frequency). This variant has not been reported in the literature in individuals affected with TSPAN12-related conditions. ClinVar contains an entry for this variant (Variation ID: 865826). For these reasons, this variant has been classified as Pathogenic.

Blueprint Genetics
Classification: Likely pathogenic for TSPAN12-related disorders. Last evaluated: 2022-02-04. Review status: criteria provided, single submitter. Criteria: ACMG Guidelines, 2015. Collection method: clinical testing. Allele origin: germline. Affected: yes. Observed: 4 variant alleles.

Literature cited by the submitters: PubMed 20159112 (cited by Labcorp Genetics (formerly Invitae), Labcorp); PubMed 21334594 (cited by Labcorp Genetics (formerly Invitae), Labcorp).

NM_012338.4(TSPAN12):c.460del (p.Gln154fs)

Gene: TSPAN12 (tetraspanin 12; minus strand). Cytogenetic location: 7q31.31.
Variant type: Deletion.
Coding change: c.460del on transcript NM_012338.4 (MANE Select); coding-DNA position 460, one base deleted (C; older notation c.460delC).
Protein change: p.Gln154fs; shifts the reading frame from glutamine 154.
Molecular consequence: frameshift variant.
Genome position (GRCh38, 1-based): chr7:120,810,471, G deleted on the plus strand (C on the coding strand, the reverse complement: TSPAN12 is on the minus strand). VCF-style (leftmost placement, unchanged base first): chr7-120810470-TG-T. GRCh37 (hg19) VCF-style: chr7-120450524-TG-T.
Other names: c.460delC (NM_012338.3); short protein forms Q154fs.
Identifiers: ClinVar variation 865826 (VCV000865826.11), dbSNP rs1793956441, ClinGen allele CA916082950.
Genomic context (GRCh38, chr7:120,810,470, plus strand): 5'-TGAAGGTGCACCACTTACTTCACTCTCTCTACCTCAGAAATTGTAGCACTTACCTCTCTC[TG>T]AAAAAAATTCCAAGCATGAGTAAGCCACCGATATCTAGGTAATCCATAATTTGTCATCCT-3'